The following is an entry in ClinVar:

ClinVar aggregate classification (germline): Uncertain significance (1 of 4 stars; one submission).

Submission:

Labcorp Genetics (formerly Invitae), Labcorp
Classification: Uncertain significance. Last evaluated: 2022-06-08. Review status: criteria provided, single submitter. Criteria: Invitae Variant Classification Sherloc (09022015). Collection method: clinical testing. Allele origin: germline.
Comment: This sequence change replaces serine, which is neutral and polar, with threonine, which is neutral and polar, at codon 409 of the MPDZ protein (p.Ser409Thr). This variant is not present in population databases (gnomAD no frequency). This variant has not been reported in the literature in individuals affected with MPDZ-related conditions. Algorithms developed to predict the effect of missense changes on protein structure and function (SIFT, PolyPhen-2, Align-GVGD) all suggest that this variant is likely to be disruptive. In summary, the available evidence is currently insufficient to determine the role of this variant in disease. Therefore, it has been classified as a Variant of Uncertain Significance.

NM_001378778.1(MPDZ):c.1226G>C (p.Ser409Thr)

Gene: MPDZ (multiple PDZ domain crumbs cell polarity complex component; minus strand). Cytogenetic location: 9p23.
Variant type: single nucleotide variant.
Coding change: c.1226G>C on transcript NM_001378778.1 (MANE Select); coding-DNA position 1226, G replaced by C.
Protein change: p.Ser409Thr; replaces serine 409 with threonine.
Molecular consequence: missense variant.
Genome position (GRCh38, 1-based): chr9:13,216,838, C>G on the plus strand (G>C on the coding strand, the complement: MPDZ is on the minus strand). VCF-style: chr9-13216838-C-G. GRCh37 (hg19) VCF-style: chr9-13216837-C-G.
Other names: c.1226G>C, p.Ser409Thr (NM_001261406.2, NM_001261407.2, NM_001330637.2 and 14 more transcripts); short protein forms S409T.
Identifiers: ClinVar variation 1365487 (VCV001365487.8), dbSNP rs745366840, ClinGen allele CA372944655.